The following is an entry in ClinVar:

NM_000179.3(MSH6):c.1390A>T (p.Ile464Phe)

Gene: MSH6 (mutS homolog 6; plus strand). Cytogenetic location: 2p16.3.
Variant type: single nucleotide variant.
Coding change: c.1390A>T on transcript NM_000179.3 (MANE Select); coding-DNA position 1390, A replaced by T.
Protein change: p.Ile464Phe; replaces isoleucine 464 with phenylalanine.
Molecular consequence: missense variant.
Genome position (GRCh38, 1-based): chr2:47,799,373, A>T. VCF-style: chr2-47799373-A-T. GRCh37 (hg19) VCF-style: chr2-48026512-A-T.
Other names: c.1000A>T, p.Ile334Phe (NM_001281492.2); c.484A>T, p.Ile162Phe (NM_001281493.2, NM_001281494.2); short protein forms I464F, I162F, I334F.
Identifiers: ClinVar variation 41587 (VCV000041587.38), dbSNP rs201892477, ClinGen allele CA008568.

ClinVar aggregate classification (germline): Conflicting classifications of pathogenicity. Review status: criteria provided, conflicting classifications (1 of 4 stars). 5 submissions from 5 submitters: Uncertain significance (3); Benign (1). 1 of the submissions does not count toward it. Last evaluated 2025-05-30.

Conditions:
Hereditary nonpolyposis colorectal neoplasms. Identifiers: MedGen C0009405, MeSH D003123.
Hereditary cancer-predisposing syndrome. Also called: Tumor predisposition; Neoplastic Syndromes, Hereditary; Hereditary Cancer Syndrome; Hereditary neoplastic syndrome. Identifiers: Orphanet 140162, MedGen C0027672, MeSH D009386, MONDO:0015356.

Allele frequency attached by ClinVar (database versions not stated): TOPMed below 0.00001; gnomAD exomes below 0.00001.
gnomAD v4.1: 2 of 1,614,124 alleles (0.00012%); highest among the groups gnomAD compares: Non-Finnish European, 0.00017%; no homozygotes.

Submissions (5):

Labcorp Genetics (formerly Invitae), Labcorp
Classification: Benign for Hereditary nonpolyposis colorectal neoplasms. Last evaluated: 2025-05-30. Review status: criteria provided, single submitter. Criteria: Invitae Variant Classification Sherloc (09022015). Collection method: clinical testing. Allele origin: germline.

CeGaT Center for Human Genetics Tuebingen
Classification: Uncertain significance. Last evaluated: 2024-03-01. Review status: criteria provided, single submitter. Criteria: CeGaT Center For Human Genetics Tuebingen Variant Classification Criteria Version 2. Collection method: clinical testing. Allele origin: germline. Affected: yes. Observed: 1 variant allele.
Comment: MSH6: PM2, BP1

Ambry Genetics
Classification: Uncertain significance for Hereditary cancer-predisposing syndrome. Last evaluated: 2024-02-29. Review status: criteria provided, single submitter. Criteria: Ambry Variant Classification Scheme 2023. Collection method: clinical testing. Allele origin: germline.
Comment: The p.I464F variant (also known as c.1390A>T), located in coding exon 4 of the MSH6 gene, results from an A to T substitution at nucleotide position 1390. The isoleucine at codon 464 is replaced by phenylalanine, an amino acid with highly similar properties. This amino acid position is well conserved in available vertebrate species. In addition, the in silico prediction for this alteration is inconclusive. Since supporting evidence is limited at this time, the clinical significance of this alteration remains unclear.

Color Diagnostics, LLC DBA Color Health
Classification: Uncertain significance for Hereditary cancer-predisposing syndrome. Last evaluated: 2019-05-16. Review status: criteria provided, single submitter. Criteria: ACMG Guidelines, 2015. Collection method: clinical testing. Allele origin: germline.

Biesecker Lab/Clinical Genomics Section, National Institutes of Health
Classification: Uncertain significance. Last evaluated: 2012-07-13. Review status: no assertion criteria provided. Collection method: research. Allele origin: germline. Affected: no. Observed: 1 variant allele. Study: ClinSeq. Not counted in ClinVar's aggregate classification.
ClinVar note: Converted during submission from variant of unknown significance to Uncertain significance.